The following is an entry in ClinVar:

ClinVar aggregate classification (germline): Uncertain significance (1 of 4 stars; one submission).

Conditions:
TET3-related disorder. Also called: TET3-related condition; TET3-Related Disease.

Submission:

PreventionGenetics, part of Exact Sciences
Classification: Uncertain significance for TET3-related condition. Last evaluated: 2023-07-19. Review status: criteria provided, single submitter. Criteria: ACMG Guidelines, 2015. Collection method: clinical testing. Allele origin: germline.
Comment: The TET3 c.2656C>T variant is predicted to result in the amino acid substitution p.Arg886Cys. To our knowledge, this variant has not been reported in the literature or in a large population database, indicating this variant is rare. At this time, the clinical significance of this variant is uncertain due to the absence of conclusive functional and genetic evidence.

NM_001287491.2(TET3):c.2656C>T (p.Arg886Cys)

Gene: TET3 (tet methylcytosine dioxygenase 3; plus strand). Cytogenetic location: 2p13.1.
Variant type: single nucleotide variant.
Coding change: c.2656C>T on transcript NM_001287491.2 (MANE Select); coding-DNA position 2656, C replaced by T.
Protein change: p.Arg886Cys; replaces arginine 886 with cysteine.
Molecular consequence: missense variant.
Genome position (GRCh38, 1-based): chr2:74,080,568, C>T. VCF-style: chr2-74080568-C-T. GRCh37 (hg19) VCF-style: chr2-74307695-C-T.
Other names: c.2377C>T, p.Arg793Cys (NM_001366022.1); c.2251C>T, p.Arg751Cys (NM_144993.1); short protein forms R751C, R793C, R886C.
Identifiers: ClinVar variation 2631738 (VCV002631738.1), dbSNP rs2467591430, ClinGen allele CA347309201.